The following is an entry in ClinVar:

ClinVar aggregate classification (germline): Likely pathogenic. Review status: criteria provided, single submitter (1 of 4 stars). 2 submissions from 2 submitters: Likely pathogenic (1). 1 of the submissions does not count toward it. Last evaluated 2022-01-03.

Conditions:
Intellectual developmental disorder, autosomal dominant 48. Also called: MENTAL RETARDATION, AUTOSOMAL DOMINANT 48; Intellectual disability, autosomal dominant 48. Identifiers: Orphanet 500159, MedGen C4540321, MONDO:0030913, OMIM 617751.

Submissions (2):

3billion
Classification: Likely pathogenic for Intellectual developmental disorder, autosomal dominant 48. Last evaluated: 2022-01-03. Review status: criteria provided, single submitter. Criteria: ACMG Guidelines, 2015. Collection method: clinical testing. Allele origin: germline. Affected: yes. Observed: 1 heterozygote.
Comment: A different missense change at the same codon has been reported as pathogenic/likely pathogenic with strong evidence (ClinVar ID: VCV000445283, PM5_M). In silico tool predictions suggest damaging effect of the variant on gene or gene product (REVEL: 0.902, 3CNET: 0.881, PP3_P). A missense variant is a common mechanism associated with Mental retardation (PP2_P). It is not observed in the gnomAD v2.1.1 dataset (PM2_M). Therefore, this variant is classified as likely pathogenic according to the recommendation of ACMG/AMP guideline.

OMIM
Classification: Pathogenic for INTELLECTUAL DEVELOPMENTAL DISORDER, AUTOSOMAL DOMINANT 48. Last evaluated: 2023-03-30. Review status: no assertion criteria provided. Collection method: literature only. Allele origin: germline. Not counted in ClinVar's aggregate classification.

Literature cited by the submitters: PubMed 35139179 (cited by OMIM).

NM_006908.5(RAC1):c.191A>G (p.Tyr64Cys)

Gene: RAC1 (Rac family small GTPase 1; plus strand). Cytogenetic location: 7p22.1.
Variant type: single nucleotide variant.
Coding change: c.191A>G on transcript NM_006908.5 (MANE Select); coding-DNA position 191, A replaced by G.
Protein change: p.Tyr64Cys; replaces tyrosine 64 with cysteine.
Molecular consequence: missense variant.
Genome position (GRCh38, 1-based): chr7:6,392,007, A>G. VCF-style: chr7-6392007-A-G. GRCh37 (hg19) VCF-style: chr7-6431638-A-G.
Other names: c.191A>G, p.Tyr64Cys (NM_018890.4); short protein forms Y64C.
Identifiers: ClinVar variation 1333690 (VCV001333690.2), dbSNP rs2115201389, ClinGen allele CA366761313.